The following is an entry in ClinVar:

NM_002485.5(NBN):c.*1209A>C

Gene: NBN (nibrin; minus strand). Cytogenetic location: 8q21.3.
Variant type: single nucleotide variant.
Coding change: c.*1209A>C on transcript NM_002485.5 (MANE Select); 1209 bases downstream of the stop codon, A replaced by C.
Molecular consequence: 3 prime UTR variant.
Genome position (GRCh38, 1-based): chr8:89,934,373, T>G on the plus strand (A>C on the coding strand, the complement: NBN is on the minus strand). VCF-style: chr8-89934373-T-G. GRCh37 (hg19) VCF-style: chr8-90946601-T-G.
Other names: c.*1209A>C (NM_001024688.3).
Identifiers: ClinVar variation 363898 (VCV000363898.6), dbSNP rs1063054, ClinGen allele CA10628375.

ClinVar aggregate classification (germline): Benign. Review status: criteria provided, multiple submitters, no conflicts (2 of 4 stars). 2 submissions from 2 submitters: Benign (2). Last evaluated 2018-01-13.

Conditions:
Microcephaly, normal intelligence and immunodeficiency (NBS). Also called: Ataxia telangiectasia variant V1; Immunodeficiency, microcephaly with normal intelligence; IMMUNODEFICIENCY, MICROCEPHALY, AND CHROMOSOMAL INSTABILITY; SEEMANOVA SYNDROME II; Nijmegen breakage syndrome; Microcephaly with normal intelligence immunodeficiency and lymphoreticular malignancies. Identifiers: Orphanet 647, MedGen C0398791, MONDO:0009623, OMIM 251260.

Allele frequency attached by ClinVar (database versions not stated): TOPMed 0.31154; gnomAD 0.31611 and 0.31749; 1000 Genomes Project 30x 0.32792; gnomAD exomes 0.33363; 1000 Genomes Project 0.33526.
gnomAD v4.1: 75,068 of 232,660 alleles (32%); highest among the groups gnomAD compares: East Asian, 41%; 12,135 homozygotes.

Submissions (2):

Illumina Laboratory Services, Illumina
Classification: Benign for Microcephaly, normal intelligence and immunodeficiency. Last evaluated: 2018-01-13. Review status: criteria provided, single submitter. Criteria: ICSL Variant Classification Criteria 13 December 2019. Collection method: clinical testing. Allele origin: germline.
Comment: This variant was observed in the ICSL laboratory as part of a predisposition screen in an ostensibly healthy population. It had not been previously curated by ICSL or reported in the Human Gene Mutation Database (HGMD: prior to June 1st, 2018), and was therefore a candidate for classification through an automated scoring system. Utilizing variant allele frequency, disease prevalence and penetrance estimates, and inheritance mode, an automated score was calculated to assess if this variant is too frequent to cause the disease. Based on the score and internal cut-off values, a variant classified as benign is not then subjected to further curation. The score for this variant resulted in a classification of benign for this disease.

Breakthrough Genomics
Classification: Benign. Review status: criteria provided, single submitter. Criteria: ACMG Guidelines, 2015. Collection method: not provided. Allele origin: germline. Inheritance: Autosomal recessive inheritance. Affected: yes.